The following is an entry in ClinVar:

ClinVar aggregate classification (germline): Uncertain significance (1 of 4 stars; one submission).

Allele frequency attached by ClinVar (database versions not stated): TOPMed below 0.00001.
gnomAD v4.1: 1 of 1,614,122 alleles (0.000062%); no homozygotes.

Submission:

Laboratory for Molecular Medicine, Mass General Brigham Personalized Medicine
Classification: Uncertain significance. Last evaluated: 2014-03-28. Review status: criteria provided, single submitter. Criteria: LMM Criteria. Collection method: clinical testing. Allele origin: germline. Observed: 1 variant allele.
Comment: The Ala564Val variant in TTN has not been previously reported in individuals wit h cardiomyopathy or in large population studies. Computational prediction tools and conservation analysis suggest that the Ala564Val variant may not impact the protein, though this information is not predictive enough to rule out pathogenic ity. Additional information is needed to fully assess the clinical significance of the Ala564Val variant.

NM_001267550.2(TTN):c.1691C>T (p.Ala564Val)

Gene: TTN (titin; minus strand). Cytogenetic location: 2q31.2.
Variant type: single nucleotide variant.
Coding change: c.1691C>T on transcript NM_001267550.2 (MANE Select); coding-DNA position 1691, C replaced by T.
Protein change: p.Ala564Val; replaces alanine 564 with valine.
Molecular consequence: missense variant. On other transcripts: intron variant (3).
Genome position (GRCh38, 1-based): chr2:178,790,817, G>A on the plus strand (C>T on the coding strand, the complement: TTN is on the minus strand). VCF-style: chr2-178790817-G-A. GRCh37 (hg19) VCF-style: chr2-179655544-G-A.
Other names: c.1691C>T, p.Ala564Val (NM_133378.4, NM_001256850.1, NM_133379.5); c.1663-702C>T (NM_003319.4, NM_133437.4, NM_133432.3); short protein forms A564V.
Identifiers: ClinVar variation 179708 (VCV000179708.5), dbSNP rs727505068, ClinGen allele CA184970.